The following is an entry in ClinVar:

ClinVar aggregate classification (germline): Benign/Likely benign. Review status: criteria provided, multiple submitters, no conflicts (2 of 4 stars). 10 submissions from 9 submitters: Benign (7); Likely benign (2). 1 of the submissions does not count toward it. Last evaluated 2026-02-02.

Conditions:
Muscular dystrophy-dystroglycanopathy (congenital with brain and eye anomalies), type A6. Also called: WALKER-WARBURG SYNDROME OR MUSCLE-EYE-BRAIN DISEASE, LARGE-RELATED; MUSCULAR DYSTROPHY-DYSTROGLYCANOPATHY (CONGENITAL WITH BRAIN AND EYE ANOMALIES), TYPE A, 6. Identifiers: Orphanet 588, Orphanet 899, MedGen C3150414, MONDO:0013158, OMIM 613154.
Muscular dystrophy-dystroglycanopathy type B6 (MDDGB6). Also called: MUSCULAR DYSTROPHY-DYSTROGLYCANOPATHY (CONGENITAL WITH IMPAIRED INTELLECTUAL DEVELOPMENT), TYPE B, 6; MUSCULAR DYSTROPHY, CONGENITAL, LARGE-RELATED; MUSCULAR DYSTROPHY, CONGENITAL, TYPE 1D. Identifiers: MedGen C1837229, MONDO:0012138, OMIM 608840.

Allele frequency attached by ClinVar (database versions not stated): 1000 Genomes Project 0.02137; 1000 Genomes Project 30x 0.02389; gnomAD exomes 0.00490 and 0.00167; ExAC 0.00606; gnomAD 0.01853 and 0.01746; TOPMed 0.01991; ESP Exome Variant Server 0.02053.
gnomAD v4.1: 5,205 of 1,614,220 alleles (0.32%); highest among the groups gnomAD compares: African/African-American, 6%; 152 homozygotes.

Submissions (10):

Labcorp Genetics (formerly Invitae), Labcorp
Classification: Benign for Muscular dystrophy-dystroglycanopathy type B6. Last evaluated: 2026-02-02. Review status: criteria provided, single submitter. Criteria: Invitae Variant Classification Sherloc (09022015). Collection method: clinical testing. Allele origin: germline.

Athena Diagnostics
Classification: Benign. Last evaluated: 2024-06-11. Review status: criteria provided, single submitter. Criteria: Athena Diagnostics Criteria. Collection method: clinical testing. Allele origin: unknown.

Mayo Clinic Laboratories, Mayo Clinic
Classification: Benign. Last evaluated: 2019-06-24. Review status: criteria provided, single submitter. Criteria: ACMG Guidelines, 2015. Collection method: clinical testing. Allele origin: germline. Observed: 15 variant alleles.

Illumina Laboratory Services, Illumina
Classification: Benign for Muscular dystrophy-dystroglycanopathy (congenital with brain and eye anomalies), type A6. Last evaluated: 2018-01-12. Review status: criteria provided, single submitter. Criteria: ICSL Variant Classification Criteria 13 December 2019. Collection method: clinical testing. Allele origin: germline.
Comment: This variant was observed in the ICSL laboratory as part of a predisposition screen in an ostensibly healthy population. It had not been previously curated by ICSL or reported in the Human Gene Mutation Database (HGMD: prior to June 1st, 2018), and was therefore a candidate for classification through an automated scoring system. Utilizing variant allele frequency, disease prevalence and penetrance estimates, and inheritance mode, an automated score was calculated to assess if this variant is too frequent to cause the disease. Based on the score and internal cut-off values, a variant classified as benign is not then subjected to further curation. The score for this variant resulted in a classification of benign for this disease.

Illumina Laboratory Services, Illumina
Classification: Benign for Muscular dystrophy-dystroglycanopathy type B6. Last evaluated: 2018-01-12. Review status: criteria provided, single submitter. Criteria: ICSL Variant Classification Criteria 13 December 2019. Collection method: clinical testing. Allele origin: germline.
Comment: the same text as in the submission from Illumina Laboratory Services, Illumina above.

GeneDx
Classification: Benign. Last evaluated: 2014-06-09. Review status: criteria provided, single submitter. Criteria: GeneDx Variant Classification (06012015). Collection method: clinical testing. Allele origin: germline. Affected: yes.
Comment: This variant is considered likely benign or benign based on one or more of the following criteria: it is a conservative change, it occurs at a poorly conserved position in the protein, it is predicted to be benign by multiple in silico algorithms, and/or has population frequency not consistent with disease.

Eurofins Ntd Llc (ga)
Classification: Benign. Last evaluated: 2012-11-15. Review status: criteria provided, single submitter. Criteria: EGL Classification Definitions 2015. Collection method: clinical testing. Allele origin: germline. Observed: 2 variant alleles, 2 heterozygotes.

Breakthrough Genomics
Classification: Likely benign. Review status: criteria provided, single submitter. Criteria: ACMG Guidelines, 2015. Collection method: not provided. Allele origin: germline. Inheritance: Autosomal recessive inheritance. Affected: yes.

PreventionGenetics, part of Exact Sciences
Classification: Likely benign. Review status: criteria provided, single submitter. Criteria: ACMG Guidelines, 2015. Collection method: clinical testing. Allele origin: germline.

Genetic Services Laboratory, University of Chicago
Classification: Likely benign. Review status: no assertion criteria provided. Collection method: clinical testing. Allele origin: germline. Inheritance: Autosomal recessive inheritance. Not counted in ClinVar's aggregate classification.
Comment: Likely benign based on allele frequency in 1000 Genomes Project or ESP global frequency and its presence in a patient with a rare or unrelated disease phenotype. NOT Sanger confirmed

Literature cited by the submitters: PubMed 22426012 (cited by Athena Diagnostics).

NM_133642.5(LARGE1):c.1949G>A (p.Arg650Gln)

Gene: LARGE1 (LARGE xylosyl- and glucuronyltransferase 1; minus strand). Cytogenetic location: 22q12.3.
Variant type: single nucleotide variant.
Coding change: c.1949G>A on transcript NM_133642.5 (MANE Select); coding-DNA position 1949, G replaced by A.
Protein change: p.Arg650Gln; replaces arginine 650 with glutamine.
Molecular consequence: missense variant.
Genome position (GRCh38, 1-based): chr22:33,277,184, C>T on the plus strand (G>A on the coding strand, the complement: LARGE1 is on the minus strand). VCF-style: chr22-33277184-C-T. GRCh37 (hg19) VCF-style: chr22-33673170-C-T.
Other names: p.R650Q:CGG>CAG; c.1949G>A, p.Arg650Gln (NM_001362949.2, NM_001362951.2, NM_001362953.2 and 4 more transcripts); c.1802G>A, p.Arg601Gln (NM_001378627.1, NM_001378628.1); c.1793G>A, p.Arg598Gln (NM_001378629.1); c.1346G>A, p.Arg449Gln (NM_001378630.1); c.1043G>A, p.Arg348Gln (NM_001378631.1); c.1949G>A (NM_004737.6); short protein forms R650Q, R348Q, R449Q, R598Q, R601Q.
Identifiers: ClinVar variation 95170 (VCV000095170.26), dbSNP rs73399520, ClinGen allele CA285634.